The following is an entry in ClinVar:

Single allele

Genes: ZNF595 (zinc finger protein 595; plus strand), ZNF718 (zinc finger protein 718; plus strand). Cytogenetic location: 4p16.3.
Variant type: Duplication.
Identifiers: ClinVar variation 156906 (VCV000156906.2).

ClinVar aggregate classification (germline): not provided (0 of 4 stars; one submission).

Conditions:
Normal pregnancy. Identifiers: MedGen C0232989.

Submission:

Institute of Molecular and Cell Biology, University of Tartu
No classification provided. Condition: Normal pregnancy. Review status: no classification provided. Collection method: case-control. Allele origin: unknown. Affected: yes. Study: Kasak2014.
Comment: The study aimed to determine the contribution of copy number variants in the genetic etiology of normal and complicated pregnancies. The samples represented (i) maternal blood DNA drawn from healthy pregnant women during 1st or 2nd trimester and (ii) maternal and paternal blood DNA drawn at term pregnancy cases representing normal and complicated gestations (severe preeclampsia, PE; gestational diabetes, GD; small-for-gestational age newborn, SGA; large-for-gestational age newborn, LGA). We performed CNV calling based on genome-wide genotyping dataset (Illumina HumanOmniExpress-24-v1 BeadChip) by applying three algorithms, QuantiSNP, GADA (Genome Alteration Detection Algorithm) and CNstream in parallel. The acquired CNV calls were merged with HD-CNV (Hotspot Detector for Copy Number Variants) program and only the CNVs predicted by at least two programs, were considered in subsequent analysis.

Literature cited by the submitters: PubMed 25666259.